The following is an entry in ClinVar:

ClinVar aggregate classification (germline): Likely benign. Review status: criteria provided, multiple submitters, no conflicts (2 of 4 stars). 3 submissions from 3 submitters: Likely benign (3). Last evaluated 2025-09-11.

Conditions:
Familial thoracic aortic aneurysm and aortic dissection (TAAD). Also called: Thoracic aortic aneurysms and dissections. Identifiers: Orphanet 91387, MedGen C4707243, MONDO:0019625.
Heterotopia, periventricular, X-linked dominant (PVNH1). Also called: PERIVENTRICULAR NODULAR HETEROTOPIA 1; X-linked periventricular heterotopia; PERIVENTRICULAR NODULAR HETEROTOPIA 4; HETEROTOPIA, PERIVENTRICULAR, 1. Identifiers: Orphanet 2149, Orphanet 82004, MedGen C1848213, MONDO:0010233, OMIM 300049.
Oto-palato-digital syndrome, type II (OPD2). Also called: FACIOPALATOOSSEOUS SYNDROME; OPD II SYNDROME; Otopalatodigital Syndrome Type 2 (FLNA-OPD2); Otopalatodigital Syndrome, Type II. Identifiers: Orphanet 669, Orphanet 90652, MedGen C1844696, MONDO:0010571, OMIM 304120.
Frontometaphyseal dysplasia (FMD1). Identifiers: Orphanet 1826, MedGen C0265293, MONDO:0015942.
Melnick-Needles syndrome (MNS). Also called: MELNICK-NEEDLES OSTEODYSPLASTY; OSTEODYSPLASTY OF MELNICK AND NEEDLES; Melnick-Needles Syndrome (FLNA-MNS). Identifiers: Orphanet 2484, MedGen C0025237, MONDO:0010650, OMIM 309350.

Allele frequency attached by ClinVar (database versions not stated): TOPMed 0.00004; ESP Exome Variant Server 0.00020.
gnomAD v4.1: 25 of 1,209,388 alleles (0.0021%); highest among the groups gnomAD compares: Non-Finnish European, 0.0025%; no homozygotes.

Submissions (3):

Mayo Clinic Laboratories, Mayo Clinic
Classification: Likely benign. Last evaluated: 2025-09-11. Review status: criteria provided, single submitter. Criteria: ACMG Guidelines, 2015. Collection method: clinical testing. Allele origin: germline. Observed: 3 variant alleles.
Comment: BP4, BP7

Labcorp Genetics (formerly Invitae), Labcorp
Classification: Likely benign for Oto-palato-digital syndrome, type II; Heterotopia, periventricular, X-linked dominant; Frontometaphyseal dysplasia; Melnick-Needles syndrome. Last evaluated: 2025-05-02. Review status: criteria provided, single submitter. Criteria: Invitae Variant Classification Sherloc (09022015). Collection method: clinical testing. Allele origin: germline.

Ambry Genetics
Classification: Likely benign for Familial thoracic aortic aneurysm and aortic dissection. Last evaluated: 2019-07-26. Review status: criteria provided, single submitter. Criteria: Ambry Variant Classification Scheme 2023. Collection method: clinical testing. Allele origin: germline.

NM_001110556.2(FLNA):c.543G>C (p.Pro181=)

Gene: FLNA (filamin A; minus strand). Cytogenetic location: Xq28.
Variant type: single nucleotide variant.
Coding change: c.543G>C on transcript NM_001110556.2 (MANE Select); coding-DNA position 543, G replaced by C.
Protein change: p.Pro181=; no amino-acid change (proline 181 retained).
Molecular consequence: synonymous variant.
Genome position (GRCh38, 1-based): chrX:154,367,921, C>G on the plus strand (G>C on the coding strand, the complement: FLNA is on the minus strand). VCF-style: chrX-154367921-C-G. GRCh37 (hg19) VCF-style: chrX-153596289-C-G.
Other names: p.Pro181=; c.543G>C, p.Pro181= (NM_001456.4).
Identifiers: ClinVar variation 465000 (VCV000465000.10), dbSNP rs201486643, ClinGen allele CA10561403.